The following is an entry in ClinVar:

NM_015404.4(WHRN):c.2620G>C (p.Gly874Arg)

Gene: WHRN (whirlin; minus strand). Cytogenetic location: 9q32.
Variant type: single nucleotide variant.
Coding change: c.2620G>C on transcript NM_015404.4 (MANE Select); coding-DNA position 2620, G replaced by C.
Protein change: p.Gly874Arg; replaces glycine 874 with arginine.
Molecular consequence: missense variant.
Genome position (GRCh38, 1-based): chr9:114,402,858, C>G on the plus strand (G>C on the coding strand, the complement: WHRN is on the minus strand). VCF-style: chr9-114402858-C-G. GRCh37 (hg19) VCF-style: chr9-117165138-C-G.
Other names: c.1471G>C, p.Gly491Arg (NM_001083885.3); c.2617G>C, p.Gly873Arg (NM_001173425.2); c.1567G>C, p.Gly523Arg (NM_001346890.1); short protein forms G491R, G523R, G873R, G874R.
Identifiers: ClinVar variation 4537932 (VCV004537932.1).

ClinVar aggregate classification (germline): Uncertain significance (1 of 4 stars; one submission).

Submission:

GeneDx
Classification: Uncertain significance. Last evaluated: 2025-06-10. Review status: criteria provided, single submitter. Criteria: GeneDx Variant Classification Process June 2021. Collection method: clinical testing. Allele origin: germline. Affected: yes.
Comment: Not observed at significant frequency in large population cohorts (gnomAD); In silico analysis supports that this missense variant has a deleterious effect on protein structure/function; Has not been previously published as pathogenic or benign to our knowledge